The following is an entry in ClinVar:

ClinVar aggregate classification (germline): Uncertain significance. Review status: criteria provided, multiple submitters, no conflicts (2 of 4 stars). 2 submissions from 2 submitters: Uncertain significance (2). Last evaluated 2024-12-04.

Conditions:
Inborn genetic diseases. Identifiers: MedGen C0950123, MeSH D030342.

gnomAD v4.1: 21 of 1,613,910 alleles (0.0013%); highest among the groups gnomAD compares: African/African-American, 0.019%; no homozygotes.

Submissions (2):

Ambry Genetics
Classification: Uncertain significance for Inborn genetic diseases. Last evaluated: 2024-12-04. Review status: criteria provided, single submitter. Criteria: Ambry Variant Classification Scheme 2023. Collection method: clinical testing. Allele origin: germline.

GeneDx
Classification: Uncertain significance. Last evaluated: 2023-11-19. Review status: criteria provided, single submitter. Criteria: GeneDx Variant Classification Process June 2021. Collection method: clinical testing. Allele origin: germline. Affected: yes.
Comment: In silico analysis supports that this missense variant does not alter protein structure/function; In silico analysis suggests this variant may impact gene splicing. In the absence of RNA/functional studies, the actual effect of this sequence change is unknown.; Has not been previously published as pathogenic or benign to our knowledge

NM_004830.4(MED23):c.245G>T (p.Cys82Phe)

Gene: MED23 (mediator complex subunit 23; minus strand). Cytogenetic location: 6q23.2.
Variant type: single nucleotide variant.
Coding change: c.245G>T on transcript NM_004830.4 (MANE Select); coding-DNA position 245, G replaced by T.
Protein change: p.Cys82Phe; replaces cysteine 82 with phenylalanine.
Molecular consequence: missense variant.
Genome position (GRCh38, 1-based): chr6:131,624,904, C>A on the plus strand (G>T on the coding strand, the complement: MED23 is on the minus strand). VCF-style: chr6-131624904-C-A. GRCh37 (hg19) VCF-style: chr6-131946044-C-A.
Other names: c.245G>T, p.Cys82Phe (NM_001270521.2, NM_001270522.2, NM_001376517.1 and 7 more transcripts); c.173G>T, p.Cys58Phe (NM_001376518.1); c.245G>T (NM_015979.2); short protein forms C58F, C82F.
Identifiers: ClinVar variation 3364293 (VCV003364293.2).